The following is an entry in ClinVar:

NM_001009944.3(PKD1):c.5910C>T (p.Ala1970=)

Gene: PKD1 (polycystin 1, transient receptor potential channel interacting; minus strand). Cytogenetic location: 16p13.3.
Variant type: single nucleotide variant.
Coding change: c.5910C>T on transcript NM_001009944.3 (MANE Select); coding-DNA position 5910, C replaced by T.
Protein change: p.Ala1970=; no amino-acid change (alanine 1970 retained).
Molecular consequence: synonymous variant.
Genome position (GRCh38, 1-based): chr16:2,109,257, G>A on the plus strand (C>T on the coding strand, the complement: PKD1 is on the minus strand). VCF-style: chr16-2109257-G-A. GRCh37 (hg19) VCF-style: chr16-2159258-G-A.
Other names: c.5910C>T, p.Ala1970= (NM_000296.4).
Identifiers: ClinVar variation 4989210 (VCV004989210.1).

ClinVar aggregate classification (germline): Likely benign (1 of 4 stars; one submission).

Conditions:
PKD1-related disorder. Also called: PKD1-related condition.

gnomAD v4.1: 74 of 1,585,266 alleles (0.0047%); highest among the groups gnomAD compares: Admixed American, 0.022%; no homozygotes.

Submission:

PreventionGenetics, part of Exact Sciences
Classification: Likely benign for PKD1-related condition. Last evaluated: 2026-02-24. Review status: criteria provided, single submitter. Criteria: ACMG Guidelines, 2015. Collection method: clinical testing. Allele origin: germline.
Comment: This variant is classified as likely benign based on ACMG/AMP sequence variant interpretation guidelines (Richards et al. 2015 PMID: 25741868, with internal and published modifications).